The following is an entry in ClinVar:

ClinVar aggregate classification (germline): Uncertain significance (1 of 4 stars; one submission).

Conditions:
Primary dilated cardiomyopathy (DCM). Also called: Dilated Cardiomyopathy. Identifiers: Orphanet 217604, MedGen C0007193, MeSH D002311, MONDO:0005021, HP:0001644. Inheritance: Various modes of inheritance.
Hypertrophic cardiomyopathy. Also called: HYPERTROPHIC MYOCARDIOPATHY. Identifiers: Orphanet 217569, MedGen C0007194, MeSH D002312, MONDO:0005045, HP:0001639.

Allele frequency attached by ClinVar (database versions not stated): TOPMed below 0.00001; ESP Exome Variant Server 0.00008.

Submission:

Labcorp Genetics (formerly Invitae), Labcorp
Classification: Uncertain significance for Hypertrophic cardiomyopathy; Primary dilated cardiomyopathy. Last evaluated: 2023-05-11. Review status: criteria provided, single submitter. Criteria: Invitae Variant Classification Sherloc (09022015). Collection method: clinical testing. Allele origin: germline.
Comment: This variant is not present in population databases (gnomAD no frequency). In summary, the available evidence is currently insufficient to determine the role of this variant in disease. Therefore, it has been classified as a Variant of Uncertain Significance. An algorithm developed to predict the effect of missense changes on protein structure and function (PolyPhen-2) suggests that this variant is likely to be disruptive. This variant has not been reported in the literature in individuals affected with PDLIM3-related conditions. This sequence change replaces isoleucine, which is neutral and non-polar, with asparagine, which is neutral and polar, at codon 6 of the PDLIM3 protein (p.Ile6Asn).

NM_014476.6(PDLIM3):c.17T>A (p.Ile6Asn)

Gene: PDLIM3 (PDZ and LIM domain 3; minus strand). Cytogenetic location: 4q35.1.
Variant type: single nucleotide variant.
Coding change: c.17T>A on transcript NM_014476.6 (MANE Select); coding-DNA position 17, T replaced by A.
Protein change: p.Ile6Asn; replaces isoleucine 6 with asparagine.
Molecular consequence: missense variant. On other transcripts: non-coding transcript variant (1).
Genome position (GRCh38, 1-based): chr4:185,535,418, A>T on the plus strand (T>A on the coding strand, the complement: PDLIM3 is on the minus strand). VCF-style: chr4-185535418-A-T. GRCh37 (hg19) VCF-style: chr4-186456572-A-T.
Other names: c.17T>A, p.Ile6Asn (NM_001114107.5, NM_001257962.2, NM_001257963.2); short protein forms I6N.
Identifiers: ClinVar variation 2936745 (VCV002936745.3), dbSNP rs372538185, ClinGen allele CA112059626.
Genomic context (GRCh38, chr4:185,535,418, plus strand): 5'-GGCTGGTTGAAGTCTATGCCCCCTGAGAGCCTGAAGCCCCAGGGCGCAGGGCCCGGGAGG[A>T]TCACCGTCTGGGGCATGCCGCCTTCCTCCCGCCCACCGGGCTCTAAGTGTCCCCGCGCAG-3'
Protein context (NP_055291.2, residues 1-16): MPQTV[Ile6Asn]LPGPAPWGFR